The following is an entry in ClinVar:

NM_032638.5(GATA2):c.803_804insGGGCCACCCCGG (p.His266_Gly269dup)

Gene: GATA2 (GATA binding protein 2; minus strand). Cytogenetic location: 3q21.3.
Variant type: Insertion.
Coding change: c.803_804insGGGCCACCCCGG on transcript NM_032638.5 (MANE Select); coding-DNA positions 803 to 804, GGGCCACCCCGG inserted.
Protein change: p.His266_Gly269dup.
Molecular consequence: inframe insertion.
Genome position: GRCh38 VCF-style: chr3-128485794-T-TCCGGGGTGGCCC. GRCh37 (hg19) VCF-style: chr3-128204637-T-TCCGGGGTGGCCC.
Other names: c.803_804insGGGCCACCCCGG (NM_032638.4); c.803_804insGGGCCACCCCGG, p.His266_Gly269dup (NM_001145661.2, NM_001145662.1).
Identifiers: ClinVar variation 1417964 (VCV001417964.9), dbSNP rs2068686773, ClinGen allele CA1400719033.

ClinVar aggregate classification (germline): Uncertain significance. Review status: criteria provided, multiple submitters, no conflicts (2 of 4 stars). 2 submissions from 2 submitters: Uncertain significance (2). Last evaluated 2025-12-01.

Conditions:
Monocytopenia with susceptibility to infections. Also called: GATA2 DEFICIENCY; MONOCYTOPENIA AND MYCOBACTERIAL INFECTION SYNDROME; MONOCYTOPENIA WITH SUSCEPTIBILITY TO MYCOBACTERIAL, FUNGAL, AND PAPILLOMAVIRUS INFECTIONS AND MYELODYSPLASIA; COMBINED IMMUNODEFICIENCY WITH SUSCEPTIBILITY TO MYCOBACTERIAL, VIRAL, AND FUNGAL INFECTIONS; Dendritic cell, monocyte, B lymphocyte, and natural killer lymphocyte deficiency; IMMUNODEFICIENCY 21. Identifiers: Orphanet 228423, MedGen C3280030, MONDO:0013607, OMIM 614172.
Deafness-lymphedema-leukemia syndrome. Also called: Lymphedema, primary, with myelodysplasia; Emberger syndrome. Identifiers: Orphanet 3226, MedGen C3279664, MONDO:0013540, OMIM 614038.
Inborn genetic diseases. Identifiers: MedGen C0950123, MeSH D030342.

Submissions (2):

Ambry Genetics
Classification: Uncertain significance for Inborn genetic diseases. Last evaluated: 2025-12-01. Review status: criteria provided, single submitter. Criteria: Ambry Variant Classification Scheme 2023. Collection method: clinical testing. Allele origin: germline.
Comment: The c.803_804ins12 variant (also known as p.H266_G269dup), located in coding exon 2 of the GATA2 gene, results from an in-frame 12 nucleotide insertion at nucleotide positions 803 to 804. This results in the duplication of 4 residues between codons 266 and 269. This amino acid position is highly conserved in available vertebrate species. In addition, the in silico prediction for this alteration is inconclusive. Based on the available evidence, the clinical significance of this variant remains unclear.

Labcorp Genetics (formerly Invitae), Labcorp
Classification: Uncertain significance for Monocytopenia with susceptibility to infections; Deafness-lymphedema-leukemia syndrome. Last evaluated: 2022-12-22. Review status: criteria provided, single submitter. Criteria: Invitae Variant Classification Sherloc (09022015). Collection method: clinical testing. Allele origin: germline.
Comment: In summary, the available evidence is currently insufficient to determine the role of this variant in disease. Therefore, it has been classified as a Variant of Uncertain Significance. Experimental studies and prediction algorithms are not available or were not evaluated, and the functional significance of this variant is currently unknown. ClinVar contains an entry for this variant (Variation ID: 1417964). This variant has not been reported in the literature in individuals affected with GATA2-related conditions. This variant is not present in population databases (gnomAD no frequency). This variant, c.803_804insGGGCCACCCCGG, results in the insertion of 4 amino acid(s) of the GATA2 protein (p.His266_Gly269dup), but otherwise preserves the integrity of the reading frame.